The following is an entry in ClinVar:

NM_003073.5(SMARCB1):c.205G>A (p.Gly69Ser)

Gene: SMARCB1 (SWI/SNF related BAF chromatin remodeling complex subunit B1; plus strand). Cytogenetic location: 22q11.23.
Variant type: single nucleotide variant.
Coding change: c.205G>A on transcript NM_003073.5 (MANE Select); coding-DNA position 205, G replaced by A.
Protein change: p.Gly69Ser; replaces glycine 69 with serine.
Molecular consequence: missense variant.
Genome position (GRCh38, 1-based): chr22:23,791,867, G>A. VCF-style: chr22-23791867-G-A. GRCh37 (hg19) VCF-style: chr22-24134054-G-A.
Other names: c.205G>A, p.Asp69Asn (NM_001007468.3, NM_001317946.2); c.205G>A, p.Gly69Ser (NM_001362877.2); short protein forms G69S, D69N.
Identifiers: ClinVar variation 1471392 (VCV001471392.8), dbSNP rs2145960551, ClinGen allele CA410933090.

ClinVar aggregate classification (germline): Uncertain significance (1 of 4 stars; one submission).

Submission:

Labcorp Genetics (formerly Invitae), Labcorp
Classification: Uncertain significance. Last evaluated: 2021-06-26. Review status: criteria provided, single submitter. Criteria: Invitae Variant Classification Sherloc (09022015). Collection method: clinical testing. Allele origin: germline.
Comment: In summary, the available evidence is currently insufficient to determine the role of this variant in disease. Therefore, it has been classified as a Variant of Uncertain Significance. This sequence change replaces glycine with serine at codon 69 of the SMARCB1 protein (p.Gly69Ser). The glycine residue is weakly conserved and there is a small physicochemical difference between glycine and serine. This variant is not present in population databases (ExAC no frequency). This variant has not been reported in the literature in individuals with SMARCB1-related conditions. Algorithms developed to predict the effect of missense changes on protein structure and function (SIFT, PolyPhen-2, Align-GVGD) all suggest that this variant is likely to be tolerated, but these predictions have not been confirmed by published functional studies and their clinical significance is uncertain. Algorithms developed to predict the effect of sequence changes on RNA splicing suggest that this variant may create or strengthen a splice site, but this prediction has not been confirmed by published transcriptional studies.